The following is an entry in ClinVar:

NM_153460.4(IL17RC):c.920A>G (p.Gln307Arg)

Gene: IL17RC (interleukin 17 receptor C; plus strand). Cytogenetic location: 3p25.3.
Variant type: single nucleotide variant.
Coding change: c.920A>G on transcript NM_153460.4 (MANE Select); coding-DNA position 920, A replaced by G.
Protein change: p.Gln307Arg; replaces glutamine 307 with arginine.
Molecular consequence: missense variant. On other transcripts: non-coding transcript variant (1).
Genome position (GRCh38, 1-based): chr3:9,928,347, A>G. VCF-style: chr3-9928347-A-G. GRCh37 (hg19) VCF-style: chr3-9970031-A-G.
Other names: p.Gln378Arg; c.920A>G, p.Gln307Arg (NM_001203263.2, NM_001203264.2); c.875A>G, p.Gln292Arg (NM_001203265.2, NM_001367280.1, NM_032732.6); c.881A>G, p.Gln294Arg (NM_001367278.1); c.800A>G, p.Gln267Arg (NM_001367279.1); c.1133A>G, p.Gln378Arg (NM_153461.4); short protein forms Q267R, Q292R, Q294R, Q307R, Q378R.
Identifiers: ClinVar variation 1164863 (VCV001164863.14), dbSNP rs279549, ClinGen allele CA2247072.

ClinVar aggregate classification (germline): Benign/Likely benign. Review status: criteria provided, multiple submitters, no conflicts (2 of 4 stars). 6 submissions from 6 submitters: Benign (4); Likely benign (2). Last evaluated 2026-02-04.

Conditions:
Candidiasis, familial, 9 (CANDF9). Identifiers: Orphanet 1334, MedGen C4225324, MONDO:0014642, OMIM 616445.

Allele frequency attached by ClinVar (database versions not stated): gnomAD exomes 0.99415 and 0.99535; TOPMed 0.99527; ESP Exome Variant Server 0.99539; gnomAD 0.99558 and 0.99568; ExAC 0.99572; 1000 Genomes Project 0.99740; 1000 Genomes Project 30x 0.99813.
gnomAD v4.1: 1,594,737 of 1,603,840 alleles (99%); highest among the groups gnomAD compares: East Asian, 100%; 792,850 homozygotes.

Submissions (6):

Labcorp Genetics (formerly Invitae), Labcorp
Classification: Benign for Candidiasis, familial, 9. Last evaluated: 2026-02-04. Review status: criteria provided, single submitter. Criteria: Invitae Variant Classification Sherloc (09022015). Collection method: clinical testing. Allele origin: germline.

Mayo Clinic Laboratories, Mayo Clinic
Classification: Likely benign. Last evaluated: 2025-10-22. Review status: criteria provided, single submitter. Criteria: ACMG Guidelines, 2015. Collection method: clinical testing. Allele origin: germline. Observed: 105 variant alleles.
Comment: BP4

Blueprint Genetics
Classification: Likely benign. Last evaluated: 2024-11-26. Review status: criteria provided, single submitter. Criteria: ACMG Guidelines, 2015. Collection method: clinical testing. Allele origin: germline.

Unidad de Genómica Garrahan, Hospital de Pediatría Garrahan
Classification: Benign. Last evaluated: 2024-01-24. Review status: criteria provided, single submitter. Criteria: ACMG Guidelines, 2015. Collection method: clinical testing. Allele origin: germline. Affected: no. Observed: 95 variant alleles.
Comment: This variant is classified as Benign based on local population frequency. This variant was detected in 100% of patients studied by a panel of primary immunodeficiencies. Number of patients: 95. Only high quality variants are reported.

Genome-Nilou Lab
Classification: Benign for Candidiasis, familial, 9. Last evaluated: 2021-08-19. Review status: criteria provided, single submitter. Criteria: ACMG Guidelines, 2015. Collection method: clinical testing. Allele origin: germline. Affected: no.

Breakthrough Genomics
Classification: Benign. Review status: criteria provided, single submitter. Criteria: ACMG Guidelines, 2015. Collection method: not provided. Allele origin: germline. Inheritance: Autosomal recessive inheritance. Affected: yes.